The following is an entry in ClinVar:

NM_004260.4(RECQL4):c.3324_3325insAA (p.Glu1109fs)

Gene: RECQL4 (RecQ like helicase 4; minus strand). Cytogenetic location: 8q24.3.
Variant type: Insertion.
Coding change: c.3324_3325insAA on transcript NM_004260.4 (MANE Select); coding-DNA positions 3324 to 3325, AA inserted.
Protein change: p.Glu1109fs; shifts the reading frame from glutamic acid 1109.
Molecular consequence: frameshift variant.
Genome position: GRCh38 VCF-style: chr8-144511979-C-CTT. GRCh37 (hg19) VCF-style: chr8-145737362-C-CTT.
Other names: short protein forms E1109fs.
Identifiers: ClinVar variation 1433278 (VCV001433278.6), dbSNP rs2130654895, ClinGen allele CA2573143049.

ClinVar aggregate classification (germline): Pathogenic (1 of 4 stars; one submission).

Conditions:
Baller-Gerold syndrome (BGS). Also called: CRANIOSYNOSTOSIS WITH RADIAL DEFECTS. Identifiers: Orphanet 1225, MedGen C0265308, MONDO:0009039, OMIM 218600.

Submission:

Labcorp Genetics (formerly Invitae), Labcorp
Classification: Pathogenic for Baller-Gerold syndrome. Last evaluated: 2020-11-19. Review status: criteria provided, single submitter. Criteria: Invitae Variant Classification Sherloc (09022015). Collection method: clinical testing. Allele origin: germline.
Comment: For these reasons, this variant has been classified as Pathogenic. This variant has not been reported in the literature in individuals with RECQL4-related conditions. This variant is not present in population databases (ExAC no frequency). This sequence change creates a premature translational stop signal (p.Glu1109Lysfs*42) in the RECQL4 gene. It is expected to result in an absent or disrupted protein product. Loss-of-function variants in RECQL4 are known to be pathogenic (PMID: 12734318, 12952869).

Literature cited by the submitters: PubMed 12734318; PubMed 12952869.